The following is an entry in ClinVar:

ClinVar aggregate classification (germline): Benign/Likely benign. Review status: criteria provided, multiple submitters, no conflicts (2 of 4 stars). 4 submissions from 4 submitters: Benign (1); Likely benign (2). 1 of the submissions does not count toward it. Last evaluated 2026-02-03.

Conditions:
PNKP-related disorder. Also called: PNKP-related condition; PNKP-related disorders.
Developmental and epileptic encephalopathy, 12 (DEE12). Identifiers: MedGen C3150988, MONDO:0013389, OMIM 613722.

Allele frequency attached by ClinVar (database versions not stated): gnomAD exomes 0.00004 and 0.00012; ExAC 0.00018; 1000 Genomes Project 30x 0.00047; ESP Exome Variant Server 0.00049; TOPMed 0.00049; 1000 Genomes Project 0.00060; gnomAD 0.00067.
gnomAD v4.1: 141 of 1,548,464 alleles (0.0091%); highest among the groups gnomAD compares: African/African-American, 0.18%; 1 homozygote.

Submissions (4):

Labcorp Genetics (formerly Invitae), Labcorp
Classification: Likely benign for Developmental and epileptic encephalopathy, 12. Last evaluated: 2026-02-03. Review status: criteria provided, single submitter. Criteria: Invitae Variant Classification Sherloc (09022015). Collection method: clinical testing. Allele origin: germline.

Blueprint Genetics
Classification: Likely benign. Last evaluated: 2024-09-02. Review status: criteria provided, single submitter. Criteria: ACMG Guidelines, 2015. Collection method: clinical testing. Allele origin: germline.

GeneDx
Classification: Benign. Last evaluated: 2013-05-16. Review status: criteria provided, single submitter. Criteria: GeneDx Variant Classification (06012015). Collection method: clinical testing. Allele origin: germline. Affected: yes.
Comment: This variant is considered likely benign or benign based on one or more of the following criteria: it is a conservative change, it occurs at a poorly conserved position in the protein, it is predicted to be benign by multiple in silico algorithms, and/or has population frequency not consistent with disease.

PreventionGenetics, part of Exact Sciences
Classification: Likely benign for PNKP-related condition. Last evaluated: 2019-03-13. Review status: no assertion criteria provided. Collection method: clinical testing. Allele origin: germline. Not counted in ClinVar's aggregate classification.
Comment: This variant is classified as likely benign based on ACMG/AMP sequence variant interpretation guidelines (Richards et al. 2015 PMID: 25741868, with internal and published modifications).

NM_007254.4(PNKP):c.1299-6C>T

Gene: PNKP (polynucleotide kinase 3'-phosphatase; minus strand). Cytogenetic location: 19q13.33.
Variant type: single nucleotide variant.
Coding change: c.1299-6C>T on transcript NM_007254.4 (MANE Select); 6 bases into the intron before coding-DNA position 1299, C replaced by T.
Molecular consequence: intron variant.
Genome position (GRCh38, 1-based): chr19:49,861,701, G>A on the plus strand (C>T on the coding strand, the complement: PNKP is on the minus strand). VCF-style: chr19-49861701-G-A. GRCh37 (hg19) VCF-style: chr19-50364958-G-A.
Identifiers: ClinVar variation 138722 (VCV000138722.15), dbSNP rs112635688, ClinGen allele CA292804.